The following is an entry in ClinVar:

ClinVar aggregate classification (germline): Conflicting classifications of pathogenicity. Review status: criteria provided, conflicting classifications (1 of 4 stars). 4 submissions from 4 submitters: Uncertain significance (1); Likely benign (3). Last evaluated 2026-01-11.

Conditions:
Autosomal dominant nonsyndromic hearing loss 1. Also called: KONIGSMARK SYNDROME; DEAFNESS, AUTOSOMAL DOMINANT 1, WITH OR WITHOUT THROMBOCYTOPENIA. Identifiers: Orphanet 90635, MedGen C1852282, MONDO:0007424, OMIM 124900.
Progressive microcephaly-seizures-cortical blindness-developmental delay syndrome. Also called: Seizures, cortical blindness, and microcephaly syndrome. Identifiers: Orphanet 477814, MedGen C5567650, MONDO:0014714, OMIM 616632.

Allele frequency attached by ClinVar (database versions not stated): gnomAD 0.00005; gnomAD exomes 0.00006 and 0.00007; TOPMed 0.00007; ExAC 0.00008.
gnomAD v4.1: 110 of 1,614,100 alleles (0.0068%); highest among the groups gnomAD compares: Non-Finnish European, 0.0076%; no homozygotes.

Submissions (4):

Labcorp Genetics (formerly Invitae), Labcorp
Classification: Likely benign for Progressive microcephaly-seizures-cortical blindness-developmental delay syndrome; Autosomal dominant nonsyndromic hearing loss 1. Last evaluated: 2026-01-11. Review status: criteria provided, single submitter. Criteria: Invitae Variant Classification Sherloc (09022015). Collection method: clinical testing. Allele origin: germline.

Blueprint Genetics
Classification: Likely benign. Last evaluated: 2024-10-11. Review status: criteria provided, single submitter. Criteria: ACMG Guidelines, 2015. Collection method: clinical testing. Allele origin: germline.

CeGaT Center for Human Genetics Tuebingen
Classification: Likely benign. Last evaluated: 2023-04-01. Review status: criteria provided, single submitter. Criteria: CeGaT Center For Human Genetics Tuebingen Variant Classification Criteria Version 2. Collection method: clinical testing. Allele origin: germline. Affected: yes. Observed: 1 variant allele.
Comment: DIAPH1: BP4, BP7

Illumina Laboratory Services, Illumina
Classification: Uncertain significance for Autosomal dominant nonsyndromic hearing loss 1. Last evaluated: 2018-01-13. Review status: criteria provided, single submitter. Criteria: ICSL Variant Classification Criteria 13 December 2019. Collection method: clinical testing. Allele origin: germline.

NM_005219.5(DIAPH1):c.579C>T (p.Asp193=)

Gene: DIAPH1 (diaphanous related formin 1; minus strand). Cytogenetic location: 5q31.3.
Variant type: single nucleotide variant.
Coding change: c.579C>T on transcript NM_005219.5 (MANE Select); coding-DNA position 579, C replaced by T.
Protein change: p.Asp193=; no amino-acid change (aspartic acid 193 retained).
Molecular consequence: synonymous variant.
Genome position (GRCh38, 1-based): chr5:141,583,247, G>A on the plus strand (C>T on the coding strand, the complement: DIAPH1 is on the minus strand). VCF-style: chr5-141583247-G-A. GRCh37 (hg19) VCF-style: chr5-140962814-G-A.
Other names: c.552C>T, p.Asp184= (NM_001079812.3); c.579C>T, p.Asp193= (NM_001314007.2).
Identifiers: ClinVar variation 542372 (VCV000542372.39), dbSNP rs202061556, ClinGen allele CA3479565.
Genomic context (GRCh38, chr5:141,583,247, plus strand): 5'-AAGACTTGGAAGTCCTCACCCAGCAGTCTCTTCTTTCTCATCATGAAGTCGTTTAAGAAT[G>A]TCCAATAAGGAGGCCAAGCCTTCAGCACCAAATGTTTGCACCCAACTGTAAGGAACAGAG-3'
Protein context (NP_005210.3, residues 183-203): FGAEGLASLL[Asp193=]ILKRLHDEKE